The following is an entry in ClinVar:

ClinVar aggregate classification (germline): Uncertain significance (1 of 4 stars; one submission).

Conditions:
Autosomal dominant nocturnal frontal lobe epilepsy 5. Also called: CILIARY DYSKINESIA, PRIMARY, 28, WITHOUT SITUS INVERSUS; CILIARY DYSKINESIA, PRIMARY, 28, WITH SITUS INVERSUS; Epilepsy, nocturnal frontal lobe, 5; KCNT1-Related Epilepsy. Identifiers: Orphanet 98784, MedGen C3554306, MONDO:0014002, OMIM 615005.
Developmental and epileptic encephalopathy, 14 (DEE14). Also called: Early infantile epileptic encephalopathy 14. Identifiers: Orphanet 293181, MedGen C3554195, MONDO:0013989, OMIM 614959.

Allele frequency attached by ClinVar (database versions not stated): TOPMed below 0.00001.
gnomAD v4.1: 2 of 1,585,102 alleles (0.00013%); highest among the groups gnomAD compares: East Asian, 0.0023%; no homozygotes.

Submission:

Labcorp Genetics (formerly Invitae), Labcorp
Classification: Uncertain significance for Autosomal dominant nocturnal frontal lobe epilepsy 5; Developmental and epileptic encephalopathy, 14. Last evaluated: 2024-01-11. Review status: criteria provided, single submitter. Criteria: Invitae Variant Classification Sherloc (09022015). Collection method: clinical testing. Allele origin: germline.
Comment: This sequence change replaces tryptophan, which is neutral and slightly polar, with cysteine, which is neutral and slightly polar, at codon 1132 of the KCNT1 protein (p.Trp1132Cys). This variant is not present in population databases (gnomAD no frequency). This variant has not been reported in the literature in individuals affected with KCNT1-related conditions. ClinVar contains an entry for this variant (Variation ID: 2085763). Advanced modeling of protein sequence and biophysical properties (such as structural, functional, and spatial information, amino acid conservation, physicochemical variation, residue mobility, and thermodynamic stability) performed at Invitae indicates that this missense variant is not expected to disrupt KCNT1 protein function with a negative predictive value of 80%. In summary, the available evidence is currently insufficient to determine the role of this variant in disease. Therefore, it has been classified as a Variant of Uncertain Significance.

NM_020822.3(KCNT1):c.3396G>T (p.Trp1132Cys)

Gene: KCNT1 (potassium sodium-activated channel subfamily T member 1; plus strand). Cytogenetic location: 9q34.3.
Variant type: single nucleotide variant.
Coding change: c.3396G>T on transcript NM_020822.3 (MANE Select); coding-DNA position 3396, G replaced by T.
Protein change: p.Trp1132Cys; replaces tryptophan 1132 with cysteine.
Molecular consequence: missense variant.
Genome position (GRCh38, 1-based): chr9:135,786,415, G>T. VCF-style: chr9-135786415-G-T. GRCh37 (hg19) VCF-style: chr9-138678261-G-T.
Other names: c.3261G>T, p.Trp1087Cys (NM_001272003.2); short protein forms W1087C, W1132C.
Identifiers: ClinVar variation 2085763 (VCV002085763.4), dbSNP rs1834054777, ClinGen allele CA375491986.